The following is an entry in ClinVar:

NM_001372.4(DNAH9):c.250C>T (p.Arg84Cys)

Gene: DNAH9 (dynein axonemal heavy chain 9; plus strand). Cytogenetic location: 17p12.
Variant type: single nucleotide variant.
Coding change: c.250C>T on transcript NM_001372.4 (MANE Select); coding-DNA position 250, C replaced by T.
Protein change: p.Arg84Cys; replaces arginine 84 with cysteine.
Molecular consequence: missense variant.
Genome position (GRCh38, 1-based): chr17:11,598,748, C>T. VCF-style: chr17-11598748-C-T. GRCh37 (hg19) VCF-style: chr17-11502065-C-T.
Other names: c.250C>T (NM_001372.3); short protein forms R84C.
Identifiers: ClinVar variation 2058097 (VCV002058097.11), dbSNP rs375775619, ClinGen allele CA8394469.

ClinVar aggregate classification (germline): Conflicting classifications of pathogenicity. Review status: criteria provided, conflicting classifications (1 of 4 stars). 5 submissions from 5 submitters: Uncertain significance (2); Benign (1); Likely benign (1). 1 of the submissions does not count toward it. Last evaluated 2025-12-03.

Conditions:
Ciliary dyskinesia, primary, 40. Also called: CILIARY DYSKINESIA, PRIMARY, 40, WITH OR WITHOUT SITUS INVERSUS. Identifiers: MedGen C4749028, MONDO:0032664, OMIM 618300.
Inborn genetic diseases. Identifiers: MedGen C0950123, MeSH D030342.
DNAH9-related disorder. Also called: DNAH9-related condition.

Allele frequency attached by ClinVar (database versions not stated): ESP Exome Variant Server 0.00086; gnomAD 0.00191; TOPMed 0.00210; 1000 Genomes Project 30x 0.00265; 1000 Genomes Project 0.00280; ExAC 0.00315.
gnomAD v4.1: 456 of 1,417,828 alleles (0.032%); highest among the groups gnomAD compares: African/African-American, 0.58%; 2 homozygotes.

Submissions (5):

Labcorp Genetics (formerly Invitae), Labcorp
Classification: Likely benign. Last evaluated: 2025-12-03. Review status: criteria provided, single submitter. Criteria: Invitae Variant Classification Sherloc (09022015). Collection method: clinical testing. Allele origin: germline.

Ambry Genetics
Classification: Uncertain significance for Inborn genetic diseases. Last evaluated: 2025-08-03. Review status: criteria provided, single submitter. Criteria: Ambry Variant Classification Scheme 2023. Collection method: clinical testing. Allele origin: germline.

Blueprint Genetics
Classification: Benign. Last evaluated: 2024-09-13. Review status: criteria provided, single submitter. Criteria: ACMG Guidelines, 2015. Collection method: clinical testing. Allele origin: germline.

Revvity Omics, Revvity
Classification: Uncertain significance for Ciliary dyskinesia, primary, 40. Last evaluated: 2022-07-30. Review status: criteria provided, single submitter. Criteria: ACMG Guidelines, 2015. Collection method: clinical testing. Allele origin: germline.

PreventionGenetics, part of Exact Sciences
Classification: Likely benign for DNAH9-related condition. Last evaluated: 2022-05-27. Review status: no assertion criteria provided. Collection method: clinical testing. Allele origin: germline. Not counted in ClinVar's aggregate classification.
Comment: This variant is classified as likely benign based on ACMG/AMP sequence variant interpretation guidelines (Richards et al. 2015 PMID: 25741868, with internal and published modifications).